The following is an entry in ClinVar:

NM_080680.3(COL11A2):c.5032_5044del (p.Thr1678fs)

Gene: COL11A2 (collagen type XI alpha 2 chain; minus strand). Cytogenetic location: 6p21.32.
Variant type: Deletion.
Coding change: c.5032_5044del on transcript NM_080680.3 (MANE Select); coding-DNA positions 5032 to 5044, 13 bases deleted (ACTAGCCCCTATG).
Protein change: p.Thr1678fs; shifts the reading frame from threonine 1678.
Molecular consequence: frameshift variant.
Genome position (GRCh38, 1-based): chr6:33,164,293-33,164,305, CATAGGGGCTAGT deleted on the plus strand (ACTAGCCCCTATG on the coding strand, the reverse complement: COL11A2 is on the minus strand); deleting any 13 consecutive bases within chr6:33,164,293-33,164,306 gives the same sequence; the c. name uses the placement nearest the transcript's 3' end. VCF-style (leftmost placement, unchanged base first): chr6-33164292-ACATAGGGGCTAGT-A. GRCh37 (hg19) VCF-style: chr6-33132069-ACATAGGGGCTAGT-A.
Other names: c.4711_4723del, p.Thr1571fs (NM_080679.3); c.4774_4786del, p.Thr1592fs (NM_080681.3); short protein forms T1571fs, T1592fs, T1678fs.
Identifiers: ClinVar variation 2093418 (VCV002093418.4), dbSNP rs2534372726, ClinGen allele CA2580074331.
Genomic context (GRCh38, chr6:33,164,292, plus strand): 5'-AGATCAGCCCCCAACCCAGCTCTTCCTGTTCCCACCTGGCAGCCATCTCTGAATTCTTTG[ACATAGGGGCTAGT>A]CTCCGGGCTCAGCTCATCCTCATTGGCCCCACGGAGTCTCAGGGGACCGTCACGGGCTGC-3'

ClinVar aggregate classification (germline): Uncertain significance (1 of 4 stars; one submission).

Submission:

Labcorp Genetics (formerly Invitae), Labcorp
Classification: Uncertain significance. Last evaluated: 2022-10-24. Review status: criteria provided, single submitter. Criteria: Invitae Variant Classification Sherloc (09022015). Collection method: clinical testing. Allele origin: germline.
Comment: This sequence change results in a frameshift in the COL11A2 gene (p.Thr1678Serfs*61). While this is not anticipated to result in nonsense mediated decay, it is expected to disrupt the last 59 amino acid(s) of the COL11A2 protein and extend the protein by 1 additional amino acid residues. This variant is not present in population databases (gnomAD no frequency). This variant has not been reported in the literature in individuals affected with COL11A2-related conditions. Experimental studies and prediction algorithms are not available or were not evaluated, and the functional significance of this variant is currently unknown. In summary, the available evidence is currently insufficient to determine the role of this variant in disease. Therefore, it has been classified as a Variant of Uncertain Significance.